The following is an entry in ClinVar:

NM_000277.3(PAH):c.694C>G (p.Gln232Glu)

Gene: PAH (phenylalanine hydroxylase; minus strand). Cytogenetic location: 12q23.2.
Variant type: single nucleotide variant.
Coding change: c.694C>G on transcript NM_000277.3 (MANE Select); coding-DNA position 694, C replaced by G.
Protein change: p.Gln232Glu; replaces glutamine 232 with glutamic acid.
Molecular consequence: missense variant.
Genome position (GRCh38, 1-based): chr12:102,855,148, G>C on the plus strand (C>G on the coding strand, the complement: PAH is on the minus strand). VCF-style: chr12-102855148-G-C. GRCh37 (hg19) VCF-style: chr12-103248926-G-C.
Other names: c.694C>G, p.Gln232Glu (NM_001354304.2); short protein forms Q232E.
Identifiers: ClinVar variation 619160 (VCV000619160.2), dbSNP rs62507348, ClinGen allele CA16020842.

ClinVar aggregate classification (germline): Likely pathogenic (3 of 4 stars; one submission).

Conditions:
Phenylketonuria (PKU). Also called: OLIGOPHRENIA PHENYLPYRUVICA; Phenylketonurias; FOLLING DISEASE; Phenylketonuria (PKU). Identifiers: Orphanet 716, MedGen C0031485, MONDO:0009861, OMIM 261600. Disease mechanism: loss of function.

Submission:

ClinGen PAH Variant Curation Expert Panel
Classification: Likely pathogenic for Phenylketonuria. Last evaluated: 2018-12-10. Review status: reviewed by expert panel. Criteria: ClinGen PAH ACMG Specifications v1. Collection method: curation. Allele origin: germline. Inheritance: Autosomal recessive inheritance.
Comment: The c.694C>G (p.Gln232Glu) variant in PAH has not been reported in the literature in individuals with PKU. It has been co-expressed with p.E178G and showed 55.0% enzyme activity. PMID: 26803807. BioPKU reports a 42% enzyme activity for this variant (PS3; PMID: 12501224). This variant is absent in population databases (PM2). Computational evidence is conflicting. In summary, this variant meets criteria to be classified as likely pathogenic for PAH. PAH-specific ACMG/AMP criteria applied: PS3, PM2.

Literature cited by the submitters: PubMed 26803807.